The following is an entry in ClinVar:

ClinVar aggregate classification (germline): Uncertain significance (1 of 4 stars; one submission).

Conditions:
Hereditary cancer-predisposing syndrome. Also called: Hereditary Cancer Syndrome; Hereditary neoplastic syndrome; Neoplastic Syndromes, Hereditary; Tumor predisposition. Identifiers: Orphanet 140162, MedGen C0027672, MeSH D009386, MONDO:0015356.

Submission:

Ambry Genetics
Classification: Uncertain significance for Hereditary cancer-predisposing syndrome. Last evaluated: 2023-07-28. Review status: criteria provided, single submitter. Criteria: Ambry Variant Classification Scheme 2023. Collection method: clinical testing. Allele origin: germline.
Comment: The p.L451F variant (also known as c.1353A>C), located in coding exon 4 of the PALB2 gene, results from an A to C substitution at nucleotide position 1353. The leucine at codon 451 is replaced by phenylalanine, an amino acid with highly similar properties. This amino acid position is not well conserved in available vertebrate species. In addition, this alteration is predicted to be tolerated by in silico analysis. Another alteration that leads to the same protein change (c.1353A>T) was not observed in unselected female breast cancer patients or female controls of Japanese ancestry. It was also not observed in unselected male breast cancer patients, but was observed with an allele frequency of 0.0001 in 12490 male controls of Japanese ancestry (Momozawa Y et al. Nat Commun, 2018 10;9:4083). Since supporting evidence is limited at this time, the clinical significance of this alteration remains unclear.

Literature cited by the submitters: PubMed 30287823.

NM_024675.4(PALB2):c.1353A>C (p.Leu451Phe)

Gene: PALB2 (partner and localizer of BRCA2; minus strand). Cytogenetic location: 16p12.2.
Variant type: single nucleotide variant.
Coding change: c.1353A>C on transcript NM_024675.4 (MANE Select); coding-DNA position 1353, A replaced by C.
Protein change: p.Leu451Phe; replaces leucine 451 with phenylalanine.
Molecular consequence: missense variant.
Genome position (GRCh38, 1-based): chr16:23,635,193, T>G on the plus strand (A>C on the coding strand, the complement: PALB2 is on the minus strand). VCF-style: chr16-23635193-T-G. GRCh37 (hg19) VCF-style: chr16-23646514-T-G.
Other names: c.1293A>C, p.Leu431Phe (NM_001407296.1); c.1353A>C, p.Leu451Phe (NM_001407297.1, NM_001407298.1, NM_001407299.1 and 3 more transcripts); c.468A>C, p.Leu156Phe (NM_001407304.1, NM_001407305.1, NM_001407306.1 and 5 more transcripts); short protein forms L451F, L431F, L156F.
Identifiers: ClinVar variation 1770640 (VCV001770640.3), dbSNP rs1966974752, ClinGen allele CA395131520.